The following is an entry in ClinVar:

NM_003924.4(PHOX2B):c.506A>G (p.Asn169Ser)

Gene: PHOX2B (paired like homeobox 2B; minus strand). Cytogenetic location: 4p13.
Variant type: single nucleotide variant.
Coding change: c.506A>G on transcript NM_003924.4 (MANE Select); coding-DNA position 506, A replaced by G.
Protein change: p.Asn169Ser; replaces asparagine 169 with serine.
Molecular consequence: missense variant.
Genome position (GRCh38, 1-based): chr4:41,746,246, T>C on the plus strand (A>G on the coding strand, the complement: PHOX2B is on the minus strand). VCF-style: chr4-41746246-T-C. GRCh37 (hg19) VCF-style: chr4-41748263-T-C.
Other names: short protein forms N169S.
Identifiers: ClinVar variation 5026566 (VCV005026566.1).

ClinVar aggregate classification (germline): Uncertain significance (1 of 4 stars; one submission).

Conditions:
Hereditary cancer-predisposing syndrome. Also called: Neoplastic Syndromes, Hereditary; Tumor predisposition; Hereditary neoplastic syndrome; Hereditary Cancer Syndrome. Identifiers: Orphanet 140162, MedGen C0027672, MeSH D009386, MONDO:0015356.

Submission:

Ambry Genetics
Classification: Uncertain significance for Hereditary cancer-predisposing syndrome. Last evaluated: 2026-07-06. Review status: criteria provided, single submitter. Criteria: Ambry Variant Classification Scheme 2023. Collection method: clinical testing. Allele origin: germline.
Comment: The p.N169S variant (also known as c.506A>G), located in coding exon 3 of the PHOX2B gene, results from an A to G substitution at nucleotide position 506. The asparagine at codon 169 is replaced by serine, an amino acid with highly similar properties. This amino acid position is conserved. In addition, this alteration is predicted to be tolerated by in silico analysis. Based on the available evidence, the clinical significance of this variant remains unclear.